The following is an entry in ClinVar:

NM_080425.4(GNAS):c.731G>A (p.Arg244Gln)

Gene: GNAS (GNAS complex locus; plus strand). Cytogenetic location: 20q13.32.
Variant type: single nucleotide variant.
Coding change: c.731G>A on transcript NM_080425.4 (MANE Plus Clinical); coding-DNA position 731, G replaced by A.
Protein change: p.Arg244Gln; replaces arginine 244 with glutamine.
Molecular consequence: missense variant. On other transcripts: intron variant (3).
Genome position (GRCh38, 1-based): chr20:58,853,996, G>A. VCF-style: chr20-58853996-G-A. GRCh37 (hg19) VCF-style: chr20-57429051-G-A.
Other names: c.544G>A, p.Glu182Lys (NM_001077490.3, NM_001309883.1); c.731G>A, p.Arg244Gln (NM_001410913.1); c.*42+13110G>A (NM_016592.5); c.43+13110G>A (NM_001410912.1); c.-39+12121G>A (NM_001309861.2); short protein forms E182K, R244Q.
Identifiers: ClinVar variation 3352822 (VCV003352822.1).

ClinVar aggregate classification (germline): Uncertain significance (0 of 4 stars; one submission).

Conditions:
GNAS-related disorder. Identifiers: MedGen CN380105.

gnomAD v4.1: 7 of 1,611,880 alleles (0.00043%); highest among the groups gnomAD compares: African/African-American, 0.004%; no homozygotes.

Submission:

PreventionGenetics, part of Exact Sciences
Classification: Uncertain significance for GNAS-related condition. Last evaluated: 2024-02-27. Review status: no assertion criteria provided. Collection method: clinical testing. Allele origin: germline.
Comment: The GNAS c.731G>A variant is predicted to result in the amino acid substitution p.Arg244Gln. In an alternate transcript (NM_000516.5), this variant is found within a non-coding region (c.-37731G>A). To our knowledge, this variant has not been reported in the literature. This variant is reported in 0.00095% of alleles in individuals of European (Non-Finnish) descent in gnomAD. At this time, the clinical significance of this variant is uncertain due to the absence of conclusive functional and genetic evidence.